The following is an entry in ClinVar:

NM_001793.6(CDH3):c.2159G>A (p.Arg720Gln)

Gene: CDH3 (cadherin 3; plus strand). Cytogenetic location: 16q22.1.
Variant type: single nucleotide variant.
Coding change: c.2159G>A on transcript NM_001793.6 (MANE Select); coding-DNA position 2159, G replaced by A.
Protein change: p.Arg720Gln; replaces arginine 720 with glutamine.
Molecular consequence: missense variant.
Genome position (GRCh38, 1-based): chr16:68,695,802, G>A. VCF-style: chr16-68695802-G-A. GRCh37 (hg19) VCF-style: chr16-68729705-G-A.
Other names: c.2159G>A, p.Arg720Gln (NM_001317195.3); c.1994G>A, p.Arg665Gln (NM_001317196.2); short protein forms R720Q, R665Q.
Identifiers: ClinVar variation 953180 (VCV000953180.5), dbSNP rs561105903, ClinGen allele CA8129603.

ClinVar aggregate classification (germline): Uncertain significance (1 of 4 stars; one submission).

Allele frequency attached by ClinVar (database versions not stated): ExAC 0.00001; gnomAD exomes 0.00001 and 0.00002; TOPMed 0.00001.
gnomAD v4.1: 20 of 1,614,102 alleles (0.0012%); highest among the groups gnomAD compares: South Asian, 0.0066%; no homozygotes.

Submission:

Labcorp Genetics (formerly Invitae), Labcorp
Classification: Uncertain significance. Last evaluated: 2022-08-20. Review status: criteria provided, single submitter. Criteria: Invitae Variant Classification Sherloc (09022015). Collection method: clinical testing. Allele origin: germline.
Comment: This sequence change replaces arginine, which is basic and polar, with glutamine, which is neutral and polar, at codon 720 of the CDH3 protein (p.Arg720Gln). This variant is present in population databases (rs561105903, gnomAD 0.02%). This variant has not been reported in the literature in individuals affected with CDH3-related conditions. ClinVar contains an entry for this variant (Variation ID: 953180). Algorithms developed to predict the effect of missense changes on protein structure and function are either unavailable or do not agree on the potential impact of this missense change (SIFT: "Not Available"; PolyPhen-2: "Probably Damaging"; Align-GVGD: "Not Available"). In summary, the available evidence is currently insufficient to determine the role of this variant in disease. Therefore, it has been classified as a Variant of Uncertain Significance.